The following is an entry in ClinVar:

ClinVar aggregate classification (germline): Uncertain significance. Review status: criteria provided, multiple submitters, no conflicts (2 of 4 stars). 2 submissions from 2 submitters: Uncertain significance (2). Last evaluated 2025-10-15.

Conditions:
Inborn genetic diseases. Identifiers: MedGen C0950123, MeSH D030342.

Allele frequency attached by ClinVar (database versions not stated): ExAC 0.00003; gnomAD 0.00006; TOPMed 0.00007; gnomAD exomes 0.00004; ESP Exome Variant Server 0.00008; 1000 Genomes Project 30x 0.00016.
gnomAD v4.1: 70 of 1,576,424 alleles (0.0044%); highest among the groups gnomAD compares: Admixed American, 0.0078%; no homozygotes.

Submissions (2):

Ambry Genetics
Classification: Uncertain significance for Inborn genetic diseases. Last evaluated: 2025-10-15. Review status: criteria provided, single submitter. Criteria: Ambry Variant Classification Scheme 2023. Collection method: clinical testing. Allele origin: germline.

Labcorp Genetics (formerly Invitae), Labcorp
Classification: Uncertain significance. Last evaluated: 2022-08-06. Review status: criteria provided, single submitter. Criteria: Invitae Variant Classification Sherloc (09022015). Collection method: clinical testing. Allele origin: germline.
Comment: This sequence change replaces serine, which is neutral and polar, with leucine, which is neutral and non-polar, at codon 60 of the HELLS protein (p.Ser60Leu). This variant is present in population databases (rs145174432, gnomAD 0.01%). This variant has not been reported in the literature in individuals affected with HELLS-related conditions. ClinVar contains an entry for this variant (Variation ID: 1407456). Algorithms developed to predict the effect of missense changes on protein structure and function are either unavailable or do not agree on the potential impact of this missense change (SIFT: "Deleterious"; PolyPhen-2: "Benign"; Align-GVGD: "Class C0"). In summary, the available evidence is currently insufficient to determine the role of this variant in disease. Therefore, it has been classified as a Variant of Uncertain Significance.

NM_018063.5(HELLS):c.179C>T (p.Ser60Leu)

Gene: HELLS (helicase, lymphoid specific; plus strand). Cytogenetic location: 10q23.33.
Variant type: single nucleotide variant.
Coding change: c.179C>T on transcript NM_018063.5 (MANE Select); coding-DNA position 179, C replaced by T.
Protein change: p.Ser60Leu; replaces serine 60 with leucine.
Molecular consequence: missense variant. On other transcripts: 5 prime UTR variant (4).
Genome position (GRCh38, 1-based): chr10:94,554,151, C>T. VCF-style: chr10-94554151-C-T. GRCh37 (hg19) VCF-style: chr10-96313908-C-T.
Other names: c.179C>T (NM_018063.3); c.179C>T, p.Ser60Leu (NM_001289067.2, NM_001289069.2, NM_001289070.2 and 1 more transcripts); c.131C>T, p.Ser44Leu (NM_001289068.2); c.-238C>T (NM_001289071.2); c.-171C>T (NM_001289073.2); c.-824C>T (NM_001289074.2); c.-843C>T (NM_001289075.2); short protein forms S60L, S44L.
Identifiers: ClinVar variation 1407456 (VCV001407456.4), dbSNP rs145174432, ClinGen allele CA5615192.